The following is an entry in ClinVar:

ClinVar aggregate classification (germline): Uncertain significance. Review status: criteria provided, multiple submitters, no conflicts (2 of 4 stars). 2 submissions from 2 submitters: Uncertain significance (2). Last evaluated 2025-12-01.

Conditions:
Familial thoracic aortic aneurysm and aortic dissection (TAAD). Also called: Thoracic aortic aneurysms and dissections. Identifiers: Orphanet 91387, MedGen C4707243, MONDO:0019625.

gnomAD v4.1: 1 of 1,614,044 alleles (0.000062%); highest among the groups gnomAD compares: African/African-American, 0.0013%; no homozygotes.

Submissions (2):

Women's Health and Genetics/Laboratory Corporation of America, LabCorp
Classification: Uncertain significance. Last evaluated: 2025-12-01. Review status: criteria provided, single submitter. Criteria: LabCorp Variant Classification Summary - May 2015. Collection method: clinical testing. Allele origin: germline.
Comment: Variant summary: SMAD3 c.898G>A (p.Gly300Arg) results in a non-conservative amino acid change in the encoded protein sequence. Algorithms developed to predict the effect of missense changes on protein structure and function all suggest that this variant is likely to be disruptive. The variant was absent in 251442 control chromosomes. The available data on variant occurrences in the general population are insufficient to allow any conclusion about variant significance. To our knowledge, no occurrence of c.898G>A in individuals affected with SMAD3-related conditions and no experimental evidence demonstrating its impact on protein function have been reported. No submitters have cited clinical-significance assessments for this variant to ClinVar. Based on the evidence outlined above, the variant was classified as uncertain significance.

Color Diagnostics, LLC DBA Color Health
Classification: Uncertain significance for Familial thoracic aortic aneurysm and aortic dissection. Last evaluated: 2025-06-18. Review status: criteria provided, single submitter. Criteria: ACMG Guidelines, 2015. Collection method: clinical testing. Allele origin: germline.
Comment: This missense variant replaces glycine with arginine at codon 300 of the SMAD3 protein. Computational prediction suggests that this variant may have a deleterious impact on protein structure and function. To our knowledge, functional studies have not been reported for this variant. This variant has not been reported in individuals affected with SMAD3-related disorders in the literature. This variant has not been identified in the general population by the Genome Aggregation Database (gnomAD). The available evidence is insufficient to determine the role of this variant in disease conclusively. Therefore, this variant is classified as a Variant of Uncertain Significance.

NM_005902.4(SMAD3):c.898G>A (p.Gly300Arg)

Gene: SMAD3 (SMAD family member 3; plus strand). Cytogenetic location: 15q22.33.
Variant type: single nucleotide variant.
Coding change: c.898G>A on transcript NM_005902.4 (MANE Select); coding-DNA position 898, G replaced by A.
Protein change: p.Gly300Arg; replaces glycine 300 with arginine.
Molecular consequence: missense variant. On other transcripts: intron variant (1).
Genome position (GRCh38, 1-based): chr15:67,184,753, G>A. VCF-style: chr15-67184753-G-A. GRCh37 (hg19) VCF-style: chr15-67477091-G-A.
Other names: c.583G>A, p.Gly195Arg (NM_001145102.2, NM_001407016.1); c.766G>A, p.Gly256Arg (NM_001145103.2, NM_001407012.1); c.313G>A, p.Gly105Arg (NM_001145104.2, NM_001407017.1); c.898G>A, p.Gly300Arg (NM_001407011.1); c.751G>A, p.Gly251Arg (NM_001407014.1); c.451G>A, p.Gly151Arg (NM_001407015.1); c.872-2612G>A (NM_001407013.1); short protein forms G105R, G151R, G195R, G251R, G256R, G300R.
Identifiers: ClinVar variation 4688689 (VCV004688689.2).